The following is an entry in ClinVar:

NM_001908.5(CTSB):c.658A>G (p.Lys220Glu)

Gene: CTSB (cathepsin B). Cytogenetic location: 8p23.1.
Variant type: single nucleotide variant.
Coding change: c.658A>G on transcript NM_001908.5 (MANE Select); coding-DNA position 658, A replaced by G.
Protein change: p.Lys220Glu; replaces lysine 220 with glutamic acid.
Molecular consequence: missense variant.
Genome position (GRCh38, 1-based): chr8:11,847,697, T>C on the plus strand (A>G on the coding strand, the complement: CTSB is on the minus strand). VCF-style: chr8-11847697-T-C. GRCh37 (hg19) VCF-style: chr8-11705206-T-C.
Other names: c.286A>G, p.Lys96Glu (NM_001317237.2); c.658A>G, p.Lys220Glu (NM_001384714.1, NM_001384723.1, NM_001384724.1 and 8 more transcripts); short protein forms K96E, K220E.
Identifiers: ClinVar variation 1373917 (VCV001373917.7), dbSNP rs371200657, ClinGen allele CA4632668.

ClinVar aggregate classification (germline): Uncertain significance. Review status: criteria provided, multiple submitters, no conflicts (2 of 4 stars). 2 submissions from 2 submitters: Uncertain significance (2). Last evaluated 2022-07-06.

Allele frequency attached by ClinVar (database versions not stated): gnomAD 0.00004 and 0.00005; gnomAD exomes 0.00005; TOPMed 0.00006; ESP Exome Variant Server 0.00008.
gnomAD v4.1: 86 of 1,575,236 alleles (0.0055%); highest among the groups gnomAD compares: Middle Eastern, 0.15%; 1 homozygote.

Submissions (2):

Labcorp Genetics (formerly Invitae), Labcorp
Classification: Uncertain significance. Last evaluated: 2022-07-06. Review status: criteria provided, single submitter. Criteria: Invitae Variant Classification Sherloc (09022015). Collection method: clinical testing. Allele origin: germline.
Comment: ClinVar contains an entry for this variant (Variation ID: 1373917). Algorithms developed to predict the effect of missense changes on protein structure and function are either unavailable or do not agree on the potential impact of this missense change (SIFT: "Not Available"; PolyPhen-2: "Benign"; Align-GVGD: "Not Available"). In summary, the available evidence is currently insufficient to determine the role of this variant in disease. Therefore, it has been classified as a Variant of Uncertain Significance. This sequence change replaces lysine with glutamic acid at codon 220 of the CTSB protein (p.Lys220Glu). The lysine residue is moderately conserved and there is a small physicochemical difference between lysine and glutamic acid. This variant is present in population databases (rs371200657, gnomAD 0.02%). This variant has not been reported in the literature in individuals affected with CTSB-related conditions. This missense change has been observed in at least one individual who was not affected with CTSB-related conditions (Invitae).

Breakthrough Genomics
Classification: Uncertain significance. Review status: criteria provided, single submitter. Criteria: ACMG Guidelines, 2015. Collection method: not provided. Allele origin: germline. Inheritance: Autosomal recessive inheritance. Affected: yes.